The following is an entry in ClinVar:

NM_000287.4(PEX6):c.1370G>T (p.Gly457Val)

Gene: PEX6 (peroxisomal biogenesis factor 6; minus strand). Cytogenetic location: 6p21.1.
Variant type: single nucleotide variant.
Coding change: c.1370G>T on transcript NM_000287.4 (MANE Select); coding-DNA position 1370, G replaced by T.
Protein change: p.Gly457Val; replaces glycine 457 with valine.
Molecular consequence: missense variant. On other transcripts: non-coding transcript variant (1).
Genome position (GRCh38, 1-based): chr6:42,968,983, C>A on the plus strand (G>T on the coding strand, the complement: PEX6 is on the minus strand). VCF-style: chr6-42968983-C-A. GRCh37 (hg19) VCF-style: chr6-42936721-C-A.
Other names: c.1370G>T (NM_000287.3); c.1106G>T, p.Gly369Val (NM_001316313.2); short protein forms G369V, G457V.
Identifiers: ClinVar variation 1508357 (VCV001508357.6), dbSNP rs752494573, ClinGen allele CA3811340.
Genomic context (GRCh38, chr6:42,968,983, plus strand): 5'-GTCTTCCCACAGCCTGGGGGGCCCCGTAGAAGGACACTGCTAGTTCCTGTCAGCAGGGCA[C>A]CCCTGCAACCAGAGAACAGACATTCGTCTCCTTCATTTTGCCCAAACATTAGAGTCCCCA-3'
Protein context (NP_000278.3, residues 447-467): AVLKPRLQPG[Gly457Val]ALLTGTSSVL

ClinVar aggregate classification (germline): Uncertain significance. Review status: criteria provided, multiple submitters, no conflicts (2 of 4 stars). 2 submissions from 2 submitters: Uncertain significance (2). Last evaluated 2025-11-24.

Conditions:
Inborn genetic diseases. Identifiers: MedGen C0950123, MeSH D030342.
Peroxisome biogenesis disorder. Identifiers: Orphanet 79189, MedGen C1832200, MONDO:0019234. Disease mechanism: loss of function.

Allele frequency attached by ClinVar (database versions not stated): gnomAD exomes 0.00001 and 0.00002; ExAC 0.00003.
gnomAD v4.1: 9 of 1,607,628 alleles (0.00056%); highest among the groups gnomAD compares: Non-Finnish European, 0.00068%; no homozygotes.

Submissions (2):

Ambry Genetics
Classification: Uncertain significance for Inborn genetic diseases. Last evaluated: 2025-11-24. Review status: criteria provided, single submitter. Criteria: Ambry Variant Classification Scheme 2023. Collection method: clinical testing. Allele origin: germline.

Labcorp Genetics (formerly Invitae), Labcorp
Classification: Uncertain significance for Peroxisome biogenesis disorder. Last evaluated: 2022-08-15. Review status: criteria provided, single submitter. Criteria: Invitae Variant Classification Sherloc (09022015). Collection method: clinical testing. Allele origin: germline.
Comment: This sequence change replaces glycine, which is neutral and non-polar, with valine, which is neutral and non-polar, at codon 457 of the PEX6 protein (p.Gly457Val). This variant is present in population databases (rs752494573, gnomAD 0.005%). This variant has not been reported in the literature in individuals affected with PEX6-related conditions. ClinVar contains an entry for this variant (Variation ID: 1508357). Algorithms developed to predict the effect of missense changes on protein structure and function (SIFT, PolyPhen-2, Align-GVGD) all suggest that this variant is likely to be tolerated. In summary, the available evidence is currently insufficient to determine the role of this variant in disease. Therefore, it has been classified as a Variant of Uncertain Significance.